The following is an entry in ClinVar:

NM_000392.5(ABCC2):c.4207G>T (p.Asp1403Tyr)

Gene: ABCC2 (ATP binding cassette subfamily C member 2; plus strand). Cytogenetic location: 10q24.2.
Variant type: single nucleotide variant.
Coding change: c.4207G>T on transcript NM_000392.5 (MANE Select); coding-DNA position 4207, G replaced by T.
Protein change: p.Asp1403Tyr; replaces aspartic acid 1403 with tyrosine.
Molecular consequence: missense variant.
Genome position (GRCh38, 1-based): chr10:99,847,021, G>T. VCF-style: chr10-99847021-G-T. GRCh37 (hg19) VCF-style: chr10-101606778-G-T.
Other names: c.4207G>T (NM_000392.4); short protein forms D1403Y.
Identifiers: ClinVar variation 3128043 (VCV003128043.3), dbSNP rs777034549, ClinGen allele CA5644077.

ClinVar aggregate classification (germline): Uncertain significance. Review status: criteria provided, multiple submitters, no conflicts (2 of 4 stars). 3 submissions from 3 submitters: Uncertain significance (2). 1 of the submissions does not count toward it. Last evaluated 2024-11-12.

Conditions:
ABCC2-related disorder. Also called: ABCC2-related condition.
Inborn genetic diseases. Identifiers: MedGen C0950123, MeSH D030342.

Allele frequency attached by ClinVar (database versions not stated): gnomAD 0.00004; TOPMed 0.00009; gnomAD exomes 0.00005; ExAC 0.00007.
gnomAD v4.1: 76 of 1,614,088 alleles (0.0047%); highest among the groups gnomAD compares: Admixed American, 0.038%; no homozygotes.

Submissions (3):

GeneDx
Classification: Uncertain significance. Last evaluated: 2024-11-12. Review status: criteria provided, single submitter. Criteria: GeneDx Variant Classification Process June 2021. Collection method: clinical testing. Allele origin: germline. Affected: yes.
Comment: In silico analysis supports that this missense variant has a deleterious effect on protein structure/function; Has not been previously published as pathogenic or benign to our knowledge

Ambry Genetics
Classification: Uncertain significance for Inborn genetic diseases. Last evaluated: 2021-08-04. Review status: criteria provided, single submitter. Criteria: Ambry Variant Classification Scheme 2023. Collection method: clinical testing. Allele origin: germline.

PreventionGenetics, part of Exact Sciences
Classification: Uncertain significance for ABCC2-related condition. Last evaluated: 2024-07-02. Review status: no assertion criteria provided. Collection method: clinical testing. Allele origin: germline. Not counted in ClinVar's aggregate classification.
Comment: The ABCC2 c.4207G>T variant is predicted to result in the amino acid substitution p.Asp1403Tyr. To our knowledge, this variant has not been reported in the literature. This variant is reported in 0.045% of alleles in individuals of Latino descent in gnomAD. At this time, the clinical significance of this variant is uncertain due to the absence of conclusive functional and genetic evidence.